The following is an entry in ClinVar:

ClinVar aggregate classification (germline): Likely pathogenic (1 of 4 stars; one submission).

Conditions:
Methylcobalamin deficiency type cblE (HMAE). Also called: HOMOCYSTINURIA-MEGALOBLASTIC ANEMIA, cblE TYPE; HOMOCYSTINURIA-MEGALOBLASTIC ANEMIA, cblE COMPLEMENTATION TYPE; VITAMIN B12-RESPONSIVE HOMOCYSTINURIA, cblE TYPE. Identifiers: Orphanet 2169, Orphanet 622, MedGen C1856057, MONDO:0009354, OMIM 236270.

Submission:

Natera, Inc.
Classification: Likely pathogenic for CblE complementation type homocystinuria-megaloblastic anemia due to defect in cobalamin metabolism. Last evaluated: 2024-02-22. Review status: criteria provided, single submitter. Criteria: Natera Variant Classification Schema (03/2026). Collection method: clinical testing. Allele origin: germline.
Comment: The c.350_358delAGCTTGGAGinsGGCT variant in MTRR is a frameshift variant predicted to shift the reading frame beginning at codon 117 and leads to a stop codon 7 codons downstream. This variant is expected to result in nonsense mediated decay, truncation, or a dysfunctional protein product. This variant is rare in the general population with a frequency below the threshold expected for the associated phenotype(s). Given the available evidence, this variant is classified as Likely Pathogenic.

NM_002454.3(MTRR):c.350_358delinsGGCT (p.Glu117fs)

Gene: MTRR (5-methyltetrahydrofolate-homocysteine methyltransferase reductase; plus strand). Cytogenetic location: 5p15.31.
Variant type: Indel.
Coding change: c.350_358delinsGGCT on transcript NM_002454.3 (MANE Select); coding-DNA positions 350 to 358, AGCTTGGAG replaced by GGCT.
Protein change: p.Glu117fs; shifts the reading frame from glutamic acid 117.
Molecular consequence: frameshift variant. On other transcripts: non-coding transcript variant (14).
Genome position (GRCh38, 1-based): chr5:7,875,324-7,875,332, AGCTTGGAG replaced by GGCT. VCF-style: chr5-7875324-AGCTTGGAG-GGCT. GRCh37 (hg19) VCF-style: chr5-7875437-AGCTTGGAG-GGCT.
Other names: c.350_358delinsGGCT, p.Glu117fs (NM_001364440.2, NM_001364441.2, NM_001364442.2 and 1 more transcripts); short protein forms E117fs.
Identifiers: ClinVar variation 4815059 (VCV004815059.1).
Genomic context (GRCh38, chr5:7,875,324, plus strand): 5'-GTGATTCAGAATACACCTACTTTTGCAATGGGGGGAAGATAATTGATAAACGACTTCAAG[AGCTTGGAG>GGCT]CCCGGCATTTCTATGACACTGGACATGCAGATGACTGTGTAGGGTAAGGGCAGTGTTCTC-3'